The following is an entry in ClinVar:

NM_000020.3(ACVRL1):c.817C>T (p.Leu273=)

Gene: ACVRL1 (activin A receptor like type 1; plus strand). Cytogenetic location: 12q13.13.
Variant type: single nucleotide variant.
Coding change: c.817C>T on transcript NM_000020.3 (MANE Select); coding-DNA position 817, C replaced by T.
Protein change: p.Leu273=; no amino-acid change (leucine 273 retained).
Molecular consequence: synonymous variant.
Genome position (GRCh38, 1-based): chr12:51,915,269, C>T. VCF-style: chr12-51915269-C-T. GRCh37 (hg19) VCF-style: chr12-52309053-C-T.
Other names: c.817C>T, p.Leu273= (NM_001077401.2).
Identifiers: ClinVar variation 533355 (VCV000533355.39), dbSNP rs55802125, ClinGen allele CA6573001.
Genomic context (GRCh38, chr12:51,915,269, plus strand): 5'-ACCTTTCTGCACACAGGCTTCATCGCCTCAGACATGACCTCCCGCAACTCGAGCACGCAG[C>T]TGTGGCTCATCACGCACTACCACGAGCACGGCTCCCTCTACGACTTTCTGCAGAGACAGA-3'
Protein context (NP_000011.2, residues 263-283): DMTSRNSSTQ[Leu273=]WLITHYHEHG

ClinVar aggregate classification (germline): Benign/Likely benign. Review status: criteria provided, multiple submitters, no conflicts (2 of 4 stars). 8 submissions from 8 submitters: Benign (4); Likely benign (3). 1 of the submissions does not count toward it. Last evaluated 2026-01-05.

Conditions:
Telangiectasia, hereditary hemorrhagic, type 2 (HHT2). Also called: ACVRL1-Related Hereditary Hemorrhagic Telangiectasia; Telangiectasia, hereditary hemorrhagic, type II. Identifiers: Orphanet 774, MedGen C1838163, MONDO:0010880, OMIM 600376. Disease mechanism: loss of function.
ACVRL1-related disorder. Also called: ACVRL1-related disorders; ACVRL1-related condition.
Cardiovascular phenotype. Identifiers: MedGen CN230736.

Allele frequency attached by ClinVar (database versions not stated): ESP Exome Variant Server 0.00023; gnomAD 0.00024 and 0.00035; gnomAD exomes 0.00026 and 0.00080; TOPMed 0.00060; ExAC 0.00068; 1000 Genomes Project 30x 0.00125; 1000 Genomes Project 0.00160.
gnomAD v4.1: 434 of 1,614,210 alleles (0.027%); highest among the groups gnomAD compares: East Asian, 0.75%; 2 homozygotes.

Submissions (8):

Labcorp Genetics (formerly Invitae), Labcorp
Classification: Benign for Telangiectasia, hereditary hemorrhagic, type 2. Last evaluated: 2026-01-05. Review status: criteria provided, single submitter. Criteria: Invitae Variant Classification Sherloc (09022015). Collection method: clinical testing. Allele origin: germline.

ARUP Laboratories, Molecular Genetics and Genomics, ARUP Laboratories
Classification: Benign for Telangiectasia, hereditary hemorrhagic, type 2. Last evaluated: 2024-10-23. Review status: criteria provided, single submitter. Criteria: ARUP Molecular Germline Variant Investigation Process 2024. Collection method: clinical testing. Allele origin: germline.

CeGaT Center for Human Genetics Tuebingen
Classification: Likely benign. Last evaluated: 2024-07-01. Review status: criteria provided, single submitter. Criteria: CeGaT Center For Human Genetics Tuebingen Variant Classification Criteria Version 2. Collection method: clinical testing. Allele origin: germline. Affected: yes. Observed: 1 variant allele.
Comment: ACVRL1: BP4, BS1

Blueprint Genetics
Classification: Likely benign. Last evaluated: 2024-03-12. Review status: criteria provided, single submitter. Criteria: ACMG Guidelines, 2015. Collection method: clinical testing. Allele origin: germline.

Ambry Genetics
Classification: Likely benign for Cardiovascular phenotype. Last evaluated: 2022-02-20. Review status: criteria provided, single submitter. Criteria: Ambry Variant Classification Scheme 2023. Collection method: clinical testing. Allele origin: germline.

Genome-Nilou Lab
Classification: Benign for Telangiectasia, hereditary hemorrhagic, type 2. Last evaluated: 2021-12-05. Review status: criteria provided, single submitter. Criteria: ACMG Guidelines, 2015. Collection method: clinical testing. Allele origin: germline. Affected: no.

Illumina Laboratory Services, Illumina
Classification: Benign for Telangiectasia, hereditary hemorrhagic, type 2. Last evaluated: 2017-07-20. Review status: criteria provided, single submitter. Criteria: ICSL Variant Classification Criteria 13 December 2019. Collection method: clinical testing. Allele origin: germline.
Comment: This variant was observed as part of a predisposition screen in an ostensibly healthy population. A literature search was performed for the gene, cDNA change, and amino acid change (where applicable). Publications were found based on this search. The evidence from the literature, in combination with allele frequency data from public databases where available, was sufficient to rule this variant out of causing disease. Therefore, this variant is classified as benign.

PreventionGenetics, part of Exact Sciences
Classification: Benign for ACVRL1-related condition. Last evaluated: 2019-10-28. Review status: no assertion criteria provided. Collection method: clinical testing. Allele origin: germline. Not counted in ClinVar's aggregate classification.
Comment: This variant is classified as benign based on ACMG/AMP sequence variant interpretation guidelines (Richards et al. 2015 PMID: 25741868, with internal and published modifications).

Literature cited by the submitters: PubMed 26245826 (cited by Illumina Laboratory Services, Illumina); PubMed 23568730 (cited by Illumina Laboratory Services, Illumina).